The following is an entry in ClinVar:

NM_000214.3(JAG1):c.3039dup (p.Val1014fs)

Gene: JAG1 (jagged canonical Notch ligand 1; minus strand). Cytogenetic location: 20p12.2.
Variant type: Duplication.
Coding change: c.3039dup on transcript NM_000214.3 (MANE Select); coding-DNA position 3039, one base duplicated (T; older notation c.3039dupT).
Protein change: p.Val1014fs; shifts the reading frame from valine 1014.
Molecular consequence: frameshift variant.
Genome position (GRCh38, 1-based): chr20:10,641,122, A duplicated on the plus strand (T on the coding strand, the reverse complement: JAG1 is on the minus strand). VCF-style (leftmost placement, unchanged base first): chr20-10641121-C-CA. GRCh37 (hg19) VCF-style: chr20-10621769-C-CA.
Other names: c.3039dup (NM_000214.2); short protein forms V1014fs.
Identifiers: ClinVar variation 1452314 (VCV001452314.7), dbSNP rs2122595645, ClinGen allele CA2573156851.
Genomic context (GRCh38, chr20:10,641,121, plus strand): 5'-ACCGAACTGCCTTGCCATCGAATAATGAGGTGTGAATGGGTCTTATACTTACAATGGCCA[C>CA]ATGTATTTCATTGTTCGCTGAAGGGGAAGGCTCGCAAGCGATGTAGATTGAATATTCAGC-3'

ClinVar aggregate classification (germline): Pathogenic. Review status: criteria provided, multiple submitters, no conflicts (2 of 4 stars). 2 submissions from 2 submitters: Pathogenic (2). Last evaluated 2024-04-30.

Conditions:
Alagille syndrome due to a JAG1 point mutation. Also called: Alagille Syndrome 1; JAG1-Related Alagille Syndrome; HEPATIC DUCTULAR HYPOPLASIA, SYNDROMATIC. Identifiers: Orphanet 261619, Orphanet 52, MedGen C1956125, MONDO:0016862, OMIM 118450.

Submissions (2):

GeneDx
Classification: Pathogenic. Last evaluated: 2024-04-30. Review status: criteria provided, single submitter. Criteria: GeneDx Variant Classification Process June 2021. Collection method: clinical testing. Allele origin: germline. Affected: yes.
Comment: Frameshift variant predicted to result in protein truncation or nonsense mediated decay in a gene for which loss of function is a known mechanism of disease; Not observed at significant frequency in large population cohorts (gnomAD); Has not been previously published as pathogenic or benign to our knowledge

Labcorp Genetics (formerly Invitae), Labcorp
Classification: Pathogenic for Alagille syndrome due to a JAG1 point mutation. Last evaluated: 2020-12-04. Review status: criteria provided, single submitter. Criteria: Invitae Variant Classification Sherloc (09022015). Collection method: clinical testing. Allele origin: germline.
Comment: This variant has not been reported in the literature in individuals with JAG1-related conditions. This variant is not present in population databases (ExAC no frequency). This sequence change creates a premature translational stop signal (p.Val1014Cysfs*6) in the JAG1 gene. It is expected to result in an absent or disrupted protein product. Loss-of-function variants in JAG1 are known to be pathogenic (PMID: 11180599). For these reasons, this variant has been classified as Pathogenic.

Literature cited by the submitters: PubMed 11180599 (cited by Labcorp Genetics (formerly Invitae), Labcorp).